The following is an entry in ClinVar:

NM_000088.4(COL1A1):c.2239_2240insGATAGG (p.Asp747delinsGlyTer)

Gene: COL1A1 (collagen type I alpha 1 chain; minus strand). Cytogenetic location: 17q21.33.
Variant type: Insertion.
Coding change: c.2239_2240insGATAGG on transcript NM_000088.4 (MANE Select); coding-DNA positions 2239 to 2240, GATAGG inserted.
Protein change: p.Asp747delinsGlyTer.
Molecular consequence: nonsense.
Genome position: GRCh38 VCF-style: chr17-50190920-T-TCCTATC. GRCh37 (hg19) VCF-style: chr17-48268281-T-TCCTATC.
Identifiers: ClinVar variation 2709741 (VCV002709741.3), dbSNP rs2509194435, ClinGen allele CA2697560400.

ClinVar aggregate classification (germline): Pathogenic (1 of 4 stars; one submission).

Conditions:
Osteogenesis imperfecta type I (OI1). Also called: Classic Non-deforming Osteogenesis Imperfecta with Blue Sclerae; OI, TYPE I; OSTEOGENESIS IMPERFECTA TARDA; OSTEOGENESIS IMPERFECTA WITH BLUE SCLERAE; Osteogenesis imperfecta type 1; Lobstein's Disease. Identifiers: Orphanet 216796, Orphanet 666, MedGen C0023931, MONDO:0008146, OMIM 166200. Disease mechanism: loss of function.

Submission:

Labcorp Genetics (formerly Invitae), Labcorp
Classification: Pathogenic for Osteogenesis imperfecta type I. Last evaluated: 2024-01-25. Review status: criteria provided, single submitter. Criteria: Invitae Variant Classification Sherloc (09022015). Collection method: clinical testing. Allele origin: germline.
Comment: This sequence change creates a premature translational stop signal (p.Gly746_Asp747insGly*) in the COL1A1 gene. It is expected to result in an absent or disrupted protein product. Loss-of-function variants in COL1A1 are known to be pathogenic (PMID: 7942841, 9295084, 9443882). This variant is not present in population databases (gnomAD no frequency). This variant has not been reported in the literature in individuals affected with COL1A1-related conditions. For these reasons, this variant has been classified as Pathogenic.

Literature cited by the submitters: PubMed 7942841; PubMed 9295084; PubMed 9443882.